The following is an entry in ClinVar:

chr6:31237124-31378388 complex variant

Genes: HLA-B (major histocompatibility complex, class I, B; minus strand), HLA-C (major histocompatibility complex, class I, C; minus strand), MICA (MHC class I polypeptide-related sequence A; plus strand). Cytogenetic location: 6p21.33.
Variant type: Complex.
Identifiers: ClinVar variation 221364 (VCV000221364.2).

ClinVar aggregate classification (germline): Uncertain significance (0 of 4 stars; one submission).

Conditions:
Breast ductal adenocarcinoma. Also called: Ductal breast carcinoma; Breast cancer, invasive ductal. Identifiers: MedGen C1527349, MONDO:0005590.

Submission:

Next Generation Diagnostics, Novartis Institutes for BioMedical Research, Inc.
Classification: Uncertain significance for Breast ductal adenocarcinoma. Last evaluated: 2015-07-20. Review status: no assertion criteria provided. Collection method: research. Allele origin: somatic. Affected: yes.
Comment: Loss of heterozygosity